The following is an entry in ClinVar:

ClinVar aggregate classification (germline): Uncertain significance. Review status: criteria provided, multiple submitters, no conflicts (2 of 4 stars). 4 submissions from 4 submitters: Uncertain significance (3). 1 of the submissions does not count toward it. Last evaluated 2026-01-19.

Conditions:
Bloom syndrome (BLM). Also called: Bloom-Torre-Machacek syndrome. Identifiers: Orphanet 125, MedGen C0005859, MONDO:0008876, OMIM 210900.
Hereditary cancer-predisposing syndrome. Also called: Tumor predisposition; Hereditary neoplastic syndrome; Hereditary Cancer Syndrome; Neoplastic Syndromes, Hereditary. Identifiers: Orphanet 140162, MedGen C0027672, MeSH D009386, MONDO:0015356.

gnomAD v4.1: 10 of 1,612,290 alleles (0.00062%); highest among the groups gnomAD compares: Admixed American, 0.0017%; no homozygotes.

Submissions (4):

Labcorp Genetics (formerly Invitae), Labcorp
Classification: Uncertain significance for Bloom syndrome. Last evaluated: 2026-01-19. Review status: criteria provided, single submitter. Criteria: Invitae Variant Classification Sherloc (09022015). Collection method: clinical testing. Allele origin: germline.
Comment: This sequence change replaces serine, which is neutral and polar, with isoleucine, which is neutral and non-polar, at codon 1121 of the BLM protein (p.Ser1121Ile). This variant is present in population databases (no rsID available, gnomAD 0.0009%). This variant has not been reported in the literature in individuals affected with BLM-related conditions. ClinVar contains an entry for this variant (Variation ID: 575684). Invitae Evidence Modeling of protein sequence and biophysical properties (such as structural, functional, and spatial information, amino acid conservation, physicochemical variation, residue mobility, and thermodynamic stability) indicates that this missense variant is not expected to disrupt BLM protein function with a negative predictive value of 80%. In summary, the available evidence is currently insufficient to determine the role of this variant in disease. Therefore, it has been classified as a Variant of Uncertain Significance.

Ambry Genetics
Classification: Uncertain significance for Hereditary cancer-predisposing syndrome. Last evaluated: 2024-08-21. Review status: criteria provided, single submitter. Criteria: Ambry Variant Classification Scheme 2023. Collection method: clinical testing. Allele origin: germline.
Comment: The p.S1121I variant (also known as c.3362G>T), located in coding exon 17 of the BLM gene, results from a G to T substitution at nucleotide position 3362. The serine at codon 1121 is replaced by isoleucine, an amino acid with dissimilar properties. This amino acid position is well conserved in available vertebrate species. In addition, this alteration is predicted to be deleterious by in silico analysis. Since supporting evidence is limited at this time, the clinical significance of this alteration remains unclear.

Quest Diagnostics Nichols Institute San Juan Capistrano
Classification: Uncertain significance. Last evaluated: 2022-12-02. Review status: criteria provided, single submitter. Criteria: Quest Diagnostics criteria. Collection method: clinical testing. Allele origin: unknown.
Comment: The variant has not been reported in the published literature. The frequency of this variant in the general population, 0.000004 (1/251218 chromosomes), is uninformative in assessment of its pathogenicity. Analysis of this variant using bioinformatics tools for the prediction of the effect of amino acid changes on protein structure and function yielded predictions that this variant is benign. Based on the available information, we are unable to determine the clinical significance of this variant.

Natera, Inc.
Classification: Uncertain significance for Bloom syndrome. Last evaluated: 2018-09-26. Review status: no assertion criteria provided. Collection method: clinical testing. Allele origin: germline. Not counted in ClinVar's aggregate classification.

NM_000057.4(BLM):c.3362G>T (p.Ser1121Ile)

Gene: BLM (BLM RecQ like helicase; plus strand). Cytogenetic location: 15q26.1.
Variant type: single nucleotide variant.
Coding change: c.3362G>T on transcript NM_000057.4 (MANE Select); coding-DNA position 3362, G replaced by T.
Protein change: p.Ser1121Ile; replaces serine 1121 with isoleucine.
Molecular consequence: missense variant. On other transcripts: intron variant (1).
Genome position (GRCh38, 1-based): chr15:90,803,524, G>T. VCF-style: chr15-90803524-G-T. GRCh37 (hg19) VCF-style: chr15-91346754-G-T.
Other names: c.3362G>T, p.Ser1121Ile (NM_001287246.2); c.2237G>T, p.Ser746Ile (NM_001287248.2); c.3358+5187G>T (NM_001287247.2); short protein forms S1121I, S746I.
Identifiers: ClinVar variation 575684 (VCV000575684.19), dbSNP rs758753168, ClinGen allele CA393847432.